The following is an entry in ClinVar:

NM_058216.3(RAD51C):c.905-16T>C

Gene: RAD51C (RAD51 paralog C; plus strand). Cytogenetic location: 17q22.
Variant type: single nucleotide variant.
Coding change: c.905-16T>C on transcript NM_058216.3 (MANE Select); 16 bases into the intron before coding-DNA position 905, T replaced by C.
Molecular consequence: intron variant.
Genome position (GRCh38, 1-based): chr17:58,724,024, T>C. VCF-style: chr17-58724024-T-C. GRCh37 (hg19) VCF-style: chr17-56801385-T-C.
Identifiers: ClinVar variation 2980685 (VCV002980685.4), dbSNP rs2049019225, ClinGen allele CA2267829069.

ClinVar aggregate classification (germline): Likely benign. Review status: criteria provided, multiple submitters, no conflicts (2 of 4 stars). 2 submissions from 2 submitters: Likely benign (2). Last evaluated 2025-02-19.

Conditions:
Breast-ovarian cancer, familial, susceptibility to, 3. Also called: RAD51C-Related Breast/Ovarian Cancer. Identifiers: Orphanet 145, MedGen C3150659, MONDO:0013253, OMIM 613399.
Fanconi anemia complementation group O. Also called: RAD51C-Related Fanconi Anemia. Identifiers: Orphanet 84, MedGen C3150653, MONDO:0013248, OMIM 613390.

Allele frequency attached by ClinVar (database versions not stated): gnomAD exomes below 0.00001.
gnomAD v4.1: 1 of 1,603,066 alleles (0.000062%); highest among the groups gnomAD compares: South Asian, 0.0011%; no homozygotes.

Submissions (2):

Myriad Genetics, Inc.
Classification: Likely benign for Breast-ovarian cancer, familial, susceptibility to, 3. Last evaluated: 2025-02-19. Review status: criteria provided, single submitter. Criteria: Myriad Autosomal Dominant, Autosomal Recessive and X-Linked Classification Criteria (2023). Collection method: clinical testing. Allele origin: unknown.
Comment: This variant is considered likely benign. This variant is intronic and is not expected to impact mRNA splicing.

Labcorp Genetics (formerly Invitae), Labcorp
Classification: Likely benign for Fanconi anemia complementation group O. Last evaluated: 2022-12-08. Review status: criteria provided, single submitter. Criteria: Invitae Variant Classification Sherloc (09022015). Collection method: clinical testing. Allele origin: germline.